The following is an entry in ClinVar:

ClinVar aggregate classification (germline): Likely benign. Review status: criteria provided, multiple submitters, no conflicts (2 of 4 stars). 2 submissions from 2 submitters: Likely benign (2). Last evaluated 2026-02-01.

gnomAD v4.1: 2,093 of 1,605,176 alleles (0.13%); highest among the groups gnomAD compares: African/African-American, 1.2%; 11 homozygotes.

Submissions (2):

CeGaT Center for Human Genetics Tuebingen
Classification: Likely benign. Last evaluated: 2026-02-01. Review status: criteria provided, single submitter. Criteria: CeGaT Center For Human Genetics Tuebingen Variant Classification Criteria Version 2. Collection method: clinical testing. Allele origin: germline. Affected: yes. Observed: 2 variant alleles.
Comment: MBOAT7: BP4, BP7, BS1

Blueprint Genetics
Classification: Likely benign. Last evaluated: 2024-11-14. Review status: criteria provided, single submitter. Criteria: ACMG Guidelines, 2015. Collection method: clinical testing. Allele origin: germline.

NM_024298.5(MBOAT7):c.1080G>A (p.Pro360=)

Gene: MBOAT7 (membrane bound acylglycerophosphatidylinositol O-acyltransferase MBOAT7; minus strand). Cytogenetic location: 19q13.42.
Variant type: single nucleotide variant.
Coding change: c.1080G>A on transcript NM_024298.5 (MANE Select); coding-DNA position 1080, G replaced by A.
Protein change: p.Pro360=; no amino-acid change (proline 360 retained).
Molecular consequence: synonymous variant.
Genome position (GRCh38, 1-based): chr19:54,174,383, C>T on the plus strand (G>A on the coding strand, the complement: MBOAT7 is on the minus strand). VCF-style: chr19-54174383-C-T. GRCh37 (hg19) VCF-style: chr19-54678077-C-T.
Other names: c.861G>A, p.Pro287= (NM_001146056.3, NM_001146083.3).
Identifiers: ClinVar variation 4083849 (VCV004083849.9).